The following is an entry in ClinVar:

NM_005912.3(MC4R):c.995A>G (p.Tyr332Cys)

Gene: MC4R (melanocortin 4 receptor; minus strand). Cytogenetic location: 18q21.32.
Variant type: single nucleotide variant.
Coding change: c.995A>G on transcript NM_005912.3 (MANE Select); coding-DNA position 995, A replaced by G.
Protein change: p.Tyr332Cys; replaces tyrosine 332 with cysteine.
Molecular consequence: missense variant.
Genome position (GRCh38, 1-based): chr18:60,371,355, T>C on the plus strand (A>G on the coding strand, the complement: MC4R is on the minus strand). VCF-style: chr18-60371355-T-C. GRCh37 (hg19) VCF-style: chr18-58038588-T-C.
Other names: short protein forms Y332C.
Identifiers: ClinVar variation 4983713 (VCV004983713.1).
Genomic context (GRCh38, chr18:60,371,355, plus strand): 5'-GGTAAGAGTGAAAAAGTCTCTTATGCATGTTCCTATATTGCGTGCTCTGTCCCCATTTAA[T>C]ATCTGCTAGACAAGTCACAAAGGCCTCCCAGGGGATAGCAACAGATGATCTCTTTGAAGG-3'
Protein context (NP_005903.2, residues 322-332): LGGLCDLSSR[Tyr332Cys]

ClinVar aggregate classification (germline): Uncertain significance (1 of 4 stars; one submission).

Conditions:
MC4R-related disorder. Also called: MC4R-related condition.

Submission:

PreventionGenetics, part of Exact Sciences
Classification: Uncertain significance for MC4R-related condition. Last evaluated: 2026-06-16. Review status: criteria provided, single submitter. Criteria: ACMG Guidelines, 2015. Collection method: clinical testing. Allele origin: germline.
Comment: The MC4R c.995A>G variant is predicted to result in the amino acid substitution p.Tyr332Cys. This variant has been reported in an individual of the non-obese control group of an obesity cohort study (Stutzmann et al. 2008. PubMed ID: 18559663). Early functional studies of the p.Tyr332Cys change indicate that the p.Tyr332Cys change does not significantly affect MC4R functionality and is comparable to wild type in terms of cell surface expression, ligand binding and cAMP signaling (Stutzmann et al. 2008. PubMed ID: 18559663; Wang et al. 2011. PubMed ID: 21729752; He et al. 2014. PubMed ID: 25332687). However, a more recent study suggests the p.Tyr332Cys change has a gain of function effect due to increased cAMP production and beta-arrestin recruitment (Table S2, Lotta et al. 2019. PubMed ID: 31002796). This variant is reported in 0.0065% of alleles in individuals of European (Non-Finnish) descent in gnomAD. At this time, the clinical significance of this variant is uncertain due to the conflicting evidence.